The following is an entry in ClinVar:

NM_015512.5(DNAH1):c.7402_7403del (p.Trp2468fs)

Gene: DNAH1 (dynein axonemal heavy chain 1; plus strand). Cytogenetic location: 3p21.1.
Variant type: Microsatellite.
Coding change: c.7402_7403del on transcript NM_015512.5 (MANE Select); coding-DNA positions 7402 to 7403, 2 bases deleted (TG; older notation c.7402_7403delTG).
Protein change: p.Trp2468fs; shifts the reading frame from tryptophan 2468.
Molecular consequence: frameshift variant.
Genome position (GRCh38, 1-based): chr3:52,379,929-52,379,930, TG deleted; deleting any 2 consecutive bases within chr3:52,379,927-52,379,930 gives the same sequence; the c. name uses the placement nearest the transcript's 3' end. VCF-style (leftmost placement, unchanged base first): chr3-52379926-CTG-C. GRCh37 (hg19) VCF-style: chr3-52413942-CTG-C.
Other names: short protein forms W2468fs.
Identifiers: ClinVar variation 2951819 (VCV002951819.3), dbSNP rs775289921, ClinGen allele CA2434882.

ClinVar aggregate classification (germline): Pathogenic (1 of 4 stars; one submission).

Conditions:
Spermatogenic failure 18. Identifiers: MedGen C4539783, MONDO:0054615, OMIM 617576.
Ciliary dyskinesia, primary, 37 (CILD37). Also called: CILIARY DYSKINESIA, PRIMARY, 37, WITH OR WITHOUT SITUS INVERSUS. Identifiers: MedGen C4539798, MONDO:0033204, OMIM 617577.

Submission:

Labcorp Genetics (formerly Invitae), Labcorp
Classification: Pathogenic for Ciliary dyskinesia, primary, 37; Spermatogenic failure 18. Last evaluated: 2024-05-21. Review status: criteria provided, single submitter. Criteria: Invitae Variant Classification Sherloc (09022015). Collection method: clinical testing. Allele origin: germline.
Comment: This sequence change creates a premature translational stop signal (p.Trp2468Valfs*15) in the DNAH1 gene. It is expected to result in an absent or disrupted protein product. Loss-of-function variants in DNAH1 are known to be pathogenic (PMID: 27573432, 27798045). This variant is not present in population databases (gnomAD no frequency). This variant has not been reported in the literature in individuals affected with DNAH1-related conditions. For these reasons, this variant has been classified as Pathogenic.

Literature cited by the submitters: PubMed 27573432; PubMed 27798045.